The following is an entry in ClinVar:

NM_199355.4(ADAMTS18):c.2312C>T (p.Pro771Leu)

Gene: ADAMTS18 (ADAM metallopeptidase with thrombospondin type 1 motif 18; minus strand). Cytogenetic location: 16q23.1.
Variant type: single nucleotide variant.
Coding change: c.2312C>T on transcript NM_199355.4 (MANE Select); coding-DNA position 2312, C replaced by T.
Protein change: p.Pro771Leu; replaces proline 771 with leucine.
Molecular consequence: missense variant.
Genome position (GRCh38, 1-based): chr16:77,320,069, G>A on the plus strand (C>T on the coding strand, the complement: ADAMTS18 is on the minus strand). VCF-style: chr16-77320069-G-A. GRCh37 (hg19) VCF-style: chr16-77353966-G-A.
Other names: c.1796C>T, p.Pro599Leu (NM_001326358.2); short protein forms P599L, P771L.
Identifiers: ClinVar variation 1955036 (VCV001955036.5), dbSNP rs1400194605, ClinGen allele CA396827949.

ClinVar aggregate classification (germline): Uncertain significance (1 of 4 stars; one submission).

Allele frequency attached by ClinVar (database versions not stated): gnomAD exomes below 0.00001; TOPMed below 0.00001.
gnomAD v4.1: 3 of 1,613,938 alleles (0.00019%); highest among the groups gnomAD compares: Non-Finnish European, 0.00017%; no homozygotes.

Submission:

Labcorp Genetics (formerly Invitae), Labcorp
Classification: Uncertain significance. Last evaluated: 2022-07-30. Review status: criteria provided, single submitter. Criteria: Invitae Variant Classification Sherloc (09022015). Collection method: clinical testing. Allele origin: germline.
Comment: This sequence change replaces proline, which is neutral and non-polar, with leucine, which is neutral and non-polar, at codon 771 of the ADAMTS18 protein (p.Pro771Leu). This variant is not present in population databases (gnomAD no frequency). This variant has not been reported in the literature in individuals affected with ADAMTS18-related conditions. Algorithms developed to predict the effect of missense changes on protein structure and function are either unavailable or do not agree on the potential impact of this missense change (SIFT: "Not Available"; PolyPhen-2: "Probably Damaging"; Align-GVGD: "Not Available"). In summary, the available evidence is currently insufficient to determine the role of this variant in disease. Therefore, it has been classified as a Variant of Uncertain Significance.